The following is an entry in ClinVar:

NM_000038.6(APC):c.4019C>A (p.Ser1340Tyr)

Gene: APC (APC regulator of Wnt signaling pathway; plus strand). Cytogenetic location: 5q22.2.
Variant type: single nucleotide variant.
Coding change: c.4019C>A on transcript NM_000038.6 (MANE Select); coding-DNA position 4019, C replaced by A.
Protein change: p.Ser1340Tyr; replaces serine 1340 with tyrosine.
Molecular consequence: missense variant.
Genome position (GRCh38, 1-based): chr5:112,839,613, C>A. VCF-style: chr5-112839613-C-A. GRCh37 (hg19) VCF-style: chr5-112175310-C-A.
Other names: c.4019C>A, p.Ser1340Tyr (NM_001127510.3, NM_001354895.2, NM_001407450.1); c.3965C>A, p.Ser1322Tyr (NM_001127511.3); c.4073C>A, p.Ser1358Tyr (NM_001354896.2, NM_001407447.1, NM_001407448.1 and 1 more transcripts); c.4049C>A, p.Ser1350Tyr (NM_001354897.2); c.3944C>A, p.Ser1315Tyr (NM_001354898.2); c.3935C>A, p.Ser1312Tyr (NM_001354899.2); c.3896C>A, p.Ser1299Tyr (NM_001354900.2); c.3842C>A, p.Ser1281Tyr (NM_001354901.2, NM_001407453.1); and 11 more; short protein forms S1180Y, S1214Y, S1340Y, S1211Y, S1249Y, S1322Y, S1057Y, S1257Y.
Identifiers: ClinVar variation 1737076 (VCV001737076.2), dbSNP rs1280622194, ClinGen allele CA16030140.

ClinVar aggregate classification (germline): Uncertain significance (1 of 4 stars; one submission).

Conditions:
Hereditary cancer-predisposing syndrome. Also called: Neoplastic Syndromes, Hereditary; Tumor predisposition; Hereditary Cancer Syndrome; Hereditary neoplastic syndrome. Identifiers: Orphanet 140162, MedGen C0027672, MeSH D009386, MONDO:0015356.

Submission:

Ambry Genetics
Classification: Uncertain significance for Hereditary cancer-predisposing syndrome. Last evaluated: 2022-01-19. Review status: criteria provided, single submitter. Criteria: Ambry Variant Classification Scheme 2023. Collection method: clinical testing. Allele origin: germline.
Comment: The p.S1340Y variant (also known as c.4019C>A), located in coding exon 15 of the APC gene, results from a C to A substitution at nucleotide position 4019. The serine at codon 1340 is replaced by tyrosine, an amino acid with dissimilar properties. This amino acid position is conserved. In addition, in silico predictors for this gene do not accurately predict pathogenicity. Since supporting evidence is limited at this time, the clinical significance of this alteration remains unclear.